The following is an entry in ClinVar:

ClinVar aggregate classification (germline): Uncertain significance (1 of 4 stars; one submission).

Submission:

Greenwood Genetic Center Diagnostic Laboratories, Greenwood Genetic Center
Classification: Uncertain significance. Last evaluated: 2025-10-08. Review status: criteria provided, single submitter. Criteria: ACMG Guidelines, 2015. Collection method: clinical testing. Allele origin: germline. Affected: yes.
Comment: Gene of Uncertain Significance

NM_015541.3(LRIG1):c.2035G>T (p.Gly679Cys)

Gene: LRIG1 (leucine rich repeats and immunoglobulin like domains 1; minus strand). Cytogenetic location: 3p14.1.
Variant type: single nucleotide variant.
Coding change: c.2035G>T on transcript NM_015541.3 (MANE Select); coding-DNA position 2035, G replaced by T.
Protein change: p.Gly679Cys; replaces glycine 679 with cysteine.
Molecular consequence: missense variant.
Genome position (GRCh38, 1-based): chr3:66,384,027, C>A on the plus strand (G>T on the coding strand, the complement: LRIG1 is on the minus strand). VCF-style: chr3-66384027-C-A. GRCh37 (hg19) VCF-style: chr3-66434451-C-A.
Other names: c.1255G>T, p.Gly419Cys (NM_001377346.1, NM_001377345.1); c.1033G>T, p.Gly345Cys (NM_001377347.1); c.1006G>T, p.Gly336Cys (NM_001377348.1); c.751G>T, p.Gly251Cys (NM_001377349.1); c.1960G>T, p.Gly654Cys (NM_001377344.1); short protein forms G251C, G336C, G345C, G419C, G654C, G679C.
Identifiers: ClinVar variation 4845544 (VCV004845544.1).
Genomic context (GRCh38, chr3:66,384,027, plus strand): 5'-CACACAGTAGAGCAATAGGCAAACCTAGGACAGTCAGGGTGGCATTAGCTGAAATAGAAC[C>A]GGCTGAGTTCTGAGCAGTACAGCTGTAAACCCCTGCGTCATCTATTTTCACATCAGTGAT-3'
Protein context (NP_056356.2, residues 669-689): VYSCTAQNSA[Gly679Cys]SISANATLTV